The following is an entry in ClinVar:

ClinVar aggregate classification (germline): Uncertain significance. Review status: criteria provided, multiple submitters, no conflicts (2 of 4 stars). 3 submissions from 3 submitters: Uncertain significance (3). Last evaluated 2026-02-20.

Conditions:
Neuroblastoma, susceptibility to, 1. Identifiers: MedGen C2749485, MONDO:0009741, OMIM 256700.

Allele frequency attached by ClinVar (database versions not stated): TOPMed below 0.00001; gnomAD exomes 0.00001.
gnomAD v4.1: 8 of 1,613,442 alleles (0.0005%); highest among the groups gnomAD compares: Non-Finnish European, 0.00068%; no homozygotes.

Submissions (3):

St. Jude Molecular Pathology, St. Jude Children's Research Hospital
Classification: Uncertain significance for Neuroblastoma, susceptibility to, 1. Last evaluated: 2026-02-20. Review status: criteria provided, single submitter. Criteria: St. Jude Assertion Criteria 2020. Collection method: clinical testing. Allele origin: germline.
Comment: The KIF1B c.3685A>G p.(Thr1229Ala) missense change has a maximum subpopulation frequency of 0 .00088% in gnomAD v2.1.1. The in silico tool REVEL predicts a benign effect on protein function, but to our knowledge this prediction has not been confirmed by functional studies.. To our knowledge, this variant has no t been reported in individuals with pheochromocytoma or neuroblastoma. In summary, the evidence currently available is insufficient to determine the clinical significance of this variant. It has therefore been classified as of uncertain significance.

Ambry Genetics
Classification: Uncertain significance. Last evaluated: 2025-05-13. Review status: criteria provided, single submitter. Criteria: Ambry Variant Classification Scheme 2023. Collection method: clinical testing. Allele origin: germline.

Blueprint Genetics
Classification: Uncertain significance. Last evaluated: 2023-11-21. Review status: criteria provided, single submitter. Criteria: ACMG Guidelines, 2015. Collection method: clinical testing. Allele origin: germline.

NM_001365951.3(KIF1B):c.3823A>G (p.Thr1275Ala)

Gene: KIF1B (kinesin family member 1B; plus strand). Cytogenetic location: 1p36.22.
Variant type: single nucleotide variant.
Coding change: c.3823A>G on transcript NM_001365951.3 (MANE Select); coding-DNA position 3823, A replaced by G.
Protein change: p.Thr1275Ala; replaces threonine 1275 with alanine.
Molecular consequence: missense variant.
Genome position (GRCh38, 1-based): chr1:10,347,786, A>G. VCF-style: chr1-10347786-A-G. GRCh37 (hg19) VCF-style: chr1-10407844-A-G.
Other names: c.3823A>G, p.Thr1275Ala (NM_001365952.1); c.3685A>G, p.Thr1229Ala (NM_015074.3); short protein forms T1229A, T1275A.
Identifiers: ClinVar variation 1733915 (VCV001733915.5), dbSNP rs982405538, ClinGen allele CA17845861.